The following is an entry in ClinVar:

ClinVar aggregate classification (germline): Uncertain significance (1 of 4 stars; one submission).

Conditions:
Familial cold autoinflammatory syndrome 3 (FCAS3). Also called: FAMILIAL ATYPICAL COLD URTICARIA; ANTIBODY DEFICIENCY AND IMMUNE DYSREGULATION, PLCG2-ASSOCIATED. Identifiers: Orphanet 300359, MedGen C3280914, MONDO:0013766, OMIM 614468.

gnomAD v4.1: 1 of 1,610,786 alleles (0.000062%); highest among the groups gnomAD compares: African/African-American, 0.0013%; no homozygotes.

Submission:

Labcorp Genetics (formerly Invitae), Labcorp
Classification: Uncertain significance for Familial cold autoinflammatory syndrome 3. Last evaluated: 2023-10-13. Review status: criteria provided, single submitter. Criteria: Invitae Variant Classification Sherloc (09022015). Collection method: clinical testing. Allele origin: germline.
Comment: This sequence change falls in intron 16 of the PLCG2 gene. It does not directly change the encoded amino acid sequence of the PLCG2 protein. This variant is present in population databases (rs371117206, gnomAD 0.007%). This variant has not been reported in the literature in individuals affected with PLCG2-related conditions. ClinVar contains an entry for this variant (Variation ID: 2062091). Algorithms developed to predict the effect of sequence changes on RNA splicing suggest that this variant may disrupt the consensus splice site. In summary, the available evidence is currently insufficient to determine the role of this variant in disease. Therefore, it has been classified as a Variant of Uncertain Significance.

NM_002661.5(PLCG2):c.1558-8C>A

Gene: PLCG2 (phospholipase C gamma 2; plus strand). Cytogenetic location: 16q23.3.
Variant type: single nucleotide variant.
Coding change: c.1558-8C>A on transcript NM_002661.5 (MANE Select); 8 bases into the intron before coding-DNA position 1558, C replaced by A.
Molecular consequence: intron variant.
Genome position (GRCh38, 1-based): chr16:81,908,408, C>A. VCF-style: chr16-81908408-C-A. GRCh37 (hg19) VCF-style: chr16-81942013-C-A.
Identifiers: ClinVar variation 2062091 (VCV002062091.4), dbSNP rs371117206, ClinGen allele CA8193853.